The following is an entry in ClinVar:

NM_001382508.1(DROSHA):c.2589A>G (p.Leu863=)

Gene: DROSHA (drosha ribonuclease III; minus strand). Cytogenetic location: 5p13.3.
Variant type: single nucleotide variant.
Coding change: c.2589A>G on transcript NM_001382508.1 (MANE Select); coding-DNA position 2589, A replaced by G.
Protein change: p.Leu863=; no amino-acid change (leucine 863 retained).
Molecular consequence: synonymous variant.
Genome position (GRCh38, 1-based): chr5:31,451,626, T>C on the plus strand (A>G on the coding strand, the complement: DROSHA is on the minus strand). VCF-style: chr5-31451626-T-C. GRCh37 (hg19) VCF-style: chr5-31451733-T-C.
Other names: c.2478A>G, p.Leu826= (NM_001100412.2); c.2589A>G, p.Leu863= (NM_013235.5).
Identifiers: ClinVar variation 3048893 (VCV003048893.2), dbSNP rs904940176, ClinGen allele CA115795937.

ClinVar aggregate classification (germline): Likely benign (0 of 4 stars; one submission).

Conditions:
DROSHA-related disorder. Also called: DROSHA-related condition.

Allele frequency attached by ClinVar (database versions not stated): gnomAD exomes below 0.00001; gnomAD 0.00001; TOPMed 0.00001.
gnomAD v4.1: 2 of 1,611,646 alleles (0.00012%); highest among the groups gnomAD compares: African/African-American, 0.0013%; no homozygotes.

Submission:

PreventionGenetics, part of Exact Sciences
Classification: Likely benign for DROSHA-related condition. Last evaluated: 2023-12-06. Review status: no assertion criteria provided. Collection method: clinical testing. Allele origin: germline.
Comment: This variant is classified as likely benign based on ACMG/AMP sequence variant interpretation guidelines (Richards et al. 2015 PMID: 25741868, with internal and published modifications).